The following is an entry in ClinVar:

NM_178857.6(RP1L1):c.4641G>T (p.Leu1547=)

Gene: RP1L1 (RP1 like 1). Cytogenetic location: 8p23.1.
Variant type: single nucleotide variant.
Coding change: c.4641G>T on transcript NM_178857.6 (MANE Select); coding-DNA position 4641, G replaced by T.
Protein change: p.Leu1547=; no amino-acid change (leucine 1547 retained).
Molecular consequence: synonymous variant.
Genome position (GRCh38, 1-based): chr8:10,609,457, C>A on the plus strand (G>T on the coding strand, the complement: RP1L1 is on the minus strand). VCF-style: chr8-10609457-C-A. GRCh37 (hg19) VCF-style: chr8-10466967-C-A.
Identifiers: ClinVar variation 4985583 (VCV004985583.1).
Genomic context (GRCh38, chr8:10,609,457, plus strand): 5'-GCGTTGGGCCACGTCCTGCTGCAGCTCGGCCGCCATCTGGTCCAGCAGATCATTGTCCTG[C>A]AGGCCCCAGCGTGCTCGGAGCTCAGCCACCGCACTGGCAAGGTGGGCCAGGAAGGCCTTC-3'
Protein context (NP_849188.4, residues 1537-1557): AVAELRARWG[Leu1547=]QDNDLLDQMA

ClinVar aggregate classification (germline): Likely benign (1 of 4 stars; one submission).

Conditions:
RP1L1-related disorder. Also called: RP1L1-related condition.

gnomAD v4.1: 4 of 1,612,256 alleles (0.00025%); highest among the groups gnomAD compares: African/African-American, 0.0053%; no homozygotes.

Submission:

PreventionGenetics, part of Exact Sciences
Classification: Likely benign for RP1L1-related condition. Last evaluated: 2025-12-29. Review status: criteria provided, single submitter. Criteria: ACMG Guidelines, 2015. Collection method: clinical testing. Allele origin: germline.
Comment: This variant is classified as likely benign based on ACMG/AMP sequence variant interpretation guidelines (Richards et al. 2015 PMID: 25741868, with internal and published modifications).